The following is an entry in ClinVar:

ClinVar aggregate classification (germline): Uncertain significance (1 of 4 stars; one submission).

Conditions:
Inborn genetic diseases. Identifiers: MedGen C0950123, MeSH D030342.

Submission:

Ambry Genetics
Classification: Uncertain significance for Inborn genetic diseases. Last evaluated: 2017-12-18. Review status: criteria provided, single submitter. Criteria: Ambry Variant Classification Scheme 2023. Collection method: clinical testing. Allele origin: germline.
Comment: The p.G65D variant (also known as c.194G>A), located in coding exon 1 of the LINS gene, results from a G to A substitution at nucleotide position 194. The glycine at codon 65 is replaced by aspartic acid, an amino acid with similar properties. This amino acid position is not well conserved in available vertebrate species. In addition, this alteration is predicted to be tolerated by in silico analysis. Since supporting evidence is limited at this time, the clinical significance of this alteration remains unclear.

NM_001040616.3(LINS1):c.194G>A (p.Gly65Asp)

Gene: LINS1 (lines homolog 1; minus strand). Cytogenetic location: 15q26.3.
Variant type: single nucleotide variant.
Coding change: c.194G>A on transcript NM_001040616.3 (MANE Select); coding-DNA position 194, G replaced by A.
Protein change: p.Gly65Asp; replaces glycine 65 with aspartic acid.
Molecular consequence: missense variant. On other transcripts: 5 prime UTR variant (1), non-coding transcript variant (3).
Genome position (GRCh38, 1-based): chr15:100,580,649, C>T on the plus strand (G>A on the coding strand, the complement: LINS1 is on the minus strand). VCF-style: chr15-100580649-C-T. GRCh37 (hg19) VCF-style: chr15-101120854-C-T.
Other names: c.-716G>A (NM_001352507.2); c.194G>A, p.Gly65Asp (NM_001352508.2); short protein forms G65D.
Identifiers: ClinVar variation 1800385 (VCV001800385.2), dbSNP rs774132911, ClinGen allele CA275561691.
Genomic context (GRCh38, chr15:100,580,649, plus strand): 5'-GAACCGCTCATCTGAGAGTTGGTCTTCAAACACACAGGTGCTACAGCAATGGGAGCCACA[C>T]CAACAGAGATGGGCTGATGCCTGCCCTGGATACCACAGGTGTTTGCCCATTCTAAGGAGG-3'
Protein context (NP_001035706.2, residues 55-75): IQGRHQPISV[Gly65Asp]VAPIAVAPVC